The following is an entry in ClinVar:

ClinVar aggregate classification (germline): Uncertain significance. Review status: criteria provided, multiple submitters, no conflicts (2 of 4 stars). 7 submissions from 5 submitters: Uncertain significance (7). Last evaluated 2023-06-21.

Conditions:
Inborn genetic diseases. Identifiers: MedGen C0950123, MeSH D030342.
Charcot-Marie-Tooth disease axonal type 2X. Also called: CHARCOT-MARIE-TOOTH DISEASE, AXONAL, AUTOSOMAL RECESSIVE, TYPE 2X; CHARCOT-MARIE-TOOTH NEUROPATHY, TYPE 2X. Identifiers: Orphanet 466775, MedGen C5569024, MONDO:0014726, OMIM 616668.
Amyotrophic lateral sclerosis type 5 (ALS5). Also called: AMYOTROPHIC LATERAL SCLEROSIS 5, JUVENILE. Identifiers: Orphanet 300605, MedGen C1865864, MONDO:0011196, OMIM 602099.
Hereditary spastic paraplegia. Also called: Familial spastic paraparesis. Identifiers: Orphanet 685, MedGen C0037773, MONDO:0019064. Disease mechanism: loss of function.
Hereditary spastic paraplegia 11. Also called: Spastic Paraplegia 11; Spastic paraplegia, mental retardation and thin corpus callosum; Nakamura Osame syndrome; Autosomal recessive hereditary spastic paraplegia, mental impairment, and thin corpus callosum; SPASTIC PARAPLEGIA, AUTOSOMAL RECESSIVE, COMPLICATED, WITH THIN CORPUS CALLOSUM; SPASTIC PARAPLEGIA, AUTOSOMAL RECESSIVE, WITH MENTAL IMPAIRMENT AND THIN CORPUS CALLOSUM. Identifiers: Orphanet 2822, MedGen C1858479, MONDO:0011445, OMIM 604360.

Allele frequency attached by ClinVar (database versions not stated): gnomAD 0.00003; TOPMed 0.00003.

Submissions (7):

Ambry Genetics
Classification: Uncertain significance for Inborn genetic diseases. Last evaluated: 2023-06-21. Review status: criteria provided, single submitter. Criteria: Ambry Variant Classification Scheme 2023. Collection method: clinical testing. Allele origin: germline.

Athena Diagnostics
Classification: Uncertain significance. Last evaluated: 2023-04-03. Review status: criteria provided, single submitter. Criteria: Athena Diagnostics Criteria. Collection method: clinical testing. Allele origin: unknown.
Comment: Available data are insufficient to determine the clinical significance of the variant at this time. The frequency of this variant in the general population is uninformative in assessment of its pathogenicity. Computational tools disagree on the variant's effect on normal protein function.

Labcorp Genetics (formerly Invitae), Labcorp
Classification: Uncertain significance for Hereditary spastic paraplegia 11. Last evaluated: 2022-01-19. Review status: criteria provided, single submitter. Criteria: Invitae Variant Classification Sherloc (09022015). Collection method: clinical testing. Allele origin: germline.
Comment: This sequence change replaces aspartic acid, which is acidic and polar, with tyrosine, which is neutral and polar, at codon 2010 of the SPG11 protein (p.Asp2010Tyr). This variant is present in population databases (no rsID available, gnomAD 0.004%). This variant has not been reported in the literature in individuals affected with SPG11-related conditions. ClinVar contains an entry for this variant (Variation ID: 406512). Algorithms developed to predict the effect of missense changes on protein structure and function are either unavailable or do not agree on the potential impact of this missense change (SIFT: "Deleterious"; PolyPhen-2: "Benign"; Align-GVGD: "Class C25"). In summary, the available evidence is currently insufficient to determine the role of this variant in disease. Therefore, it has been classified as a Variant of Uncertain Significance.

Genome Diagnostics Laboratory, The Hospital for Sick Children
Classification: Uncertain significance for Hereditary spastic paraplegia. Last evaluated: 2018-07-01. Review status: criteria provided, single submitter. Criteria: ACMG Guidelines, 2015. Collection method: clinical testing. Allele origin: germline. Affected: yes.

Genome-Nilou Lab
Classification: Uncertain significance for Amyotrophic lateral sclerosis type 5. Review status: criteria provided, single submitter. Criteria: ACMG Guidelines, 2015. Collection method: clinical testing. Allele origin: germline.

Genome-Nilou Lab
Classification: Uncertain significance for Charcot-Marie-Tooth disease axonal type 2X. Review status: criteria provided, single submitter. Criteria: ACMG Guidelines, 2015. Collection method: clinical testing. Allele origin: germline.

Genome-Nilou Lab
Classification: Uncertain significance for Hereditary spastic paraplegia 11. Review status: criteria provided, single submitter. Criteria: ACMG Guidelines, 2015. Collection method: clinical testing. Allele origin: germline.

NM_025137.4(SPG11):c.6028G>T (p.Asp2010Tyr)

Gene: SPG11 (SPG11 vesicle trafficking associated, spatacsin; minus strand). Cytogenetic location: 15q21.1.
Variant type: single nucleotide variant.
Coding change: c.6028G>T on transcript NM_025137.4 (MANE Select); coding-DNA position 6028, G replaced by T.
Protein change: p.Asp2010Tyr; replaces aspartic acid 2010 with tyrosine.
Molecular consequence: missense variant. On other transcripts: intron variant (1).
Genome position (GRCh38, 1-based): chr15:44,573,724, C>A on the plus strand (G>T on the coding strand, the complement: SPG11 is on the minus strand). VCF-style: chr15-44573724-C-A. GRCh37 (hg19) VCF-style: chr15-44865922-C-A.
Other names: c.5867-904G>T (NM_001160227.2); short protein forms D2010Y.
Identifiers: ClinVar variation 406512 (VCV000406512.14), dbSNP rs1060501171, ClinGen allele CA16614604.